The following is an entry in ClinVar:

NM_018557.3(LRP1B):c.536G>A (p.Ser179Asn)

Gene: LRP1B (LDL receptor related protein 1B; minus strand). Cytogenetic location: 2q22.1.
Variant type: single nucleotide variant.
Coding change: c.536G>A on transcript NM_018557.3 (MANE Select); coding-DNA position 536, G replaced by A.
Protein change: p.Ser179Asn; replaces serine 179 with asparagine.
Molecular consequence: missense variant.
Genome position (GRCh38, 1-based): chr2:141,247,282, C>T on the plus strand (G>A on the coding strand, the complement: LRP1B is on the minus strand). VCF-style: chr2-141247282-C-T. GRCh37 (hg19) VCF-style: chr2-142004851-C-T.
Other names: short protein forms S179N.
Identifiers: ClinVar variation 726277 (VCV000726277.6), dbSNP rs531937590, ClinGen allele CA1896247.

ClinVar aggregate classification (germline): Benign. Review status: criteria provided, multiple submitters, no conflicts (2 of 4 stars). 3 submissions from 3 submitters: Benign (2). 1 of the submissions does not count toward it. Last evaluated 2017-10-17.

Conditions:
LRP1B-related disorder. Also called: LRP1B-related condition.

Allele frequency attached by ClinVar (database versions not stated): gnomAD 0.00001 and 0.00030; TOPMed 0.00007; gnomAD exomes 0.00057 and 0.00113; ExAC 0.00133; 1000 Genomes Project 0.00280; 1000 Genomes Project 30x 0.00297.
gnomAD v4.1: 885 of 1,613,826 alleles (0.055%); highest among the groups gnomAD compares: South Asian, 0.92%; 11 homozygotes.

Submissions (3):

Labcorp Genetics (formerly Invitae), Labcorp
Classification: Benign. Last evaluated: 2017-10-17. Review status: criteria provided, single submitter. Criteria: Invitae Variant Classification Sherloc (09022015). Collection method: clinical testing. Allele origin: germline.

Breakthrough Genomics
Classification: Benign. Review status: criteria provided, single submitter. Criteria: ACMG Guidelines, 2015. Collection method: not provided. Allele origin: germline. Inheritance: Unknown mechanism. Affected: yes.

PreventionGenetics, part of Exact Sciences
Classification: Benign for LRP1B-related condition. Last evaluated: 2019-04-26. Review status: no assertion criteria provided. Collection method: clinical testing. Allele origin: germline. Not counted in ClinVar's aggregate classification.
Comment: This variant is classified as benign based on ACMG/AMP sequence variant interpretation guidelines (Richards et al. 2015 PMID: 25741868, with internal and published modifications).